The following is an entry in ClinVar:

NM_021023.6(CFHR3):c.356G>C (p.Gly119Ala)

Gene: CFHR3 (complement factor H related 3; plus strand). Cytogenetic location: 1q31.3.
Variant type: single nucleotide variant.
Coding change: c.356G>C on transcript NM_021023.6 (MANE Select); coding-DNA position 356, G replaced by C.
Protein change: p.Gly119Ala; replaces glycine 119 with alanine.
Molecular consequence: missense variant.
Genome position (GRCh38, 1-based): chr1:196,779,899, G>C. VCF-style: chr1-196779899-G-C. GRCh37 (hg19) VCF-style: chr1-196749029-G-C.
Other names: c.356G>C, p.Gly119Ala (NM_001166624.2); short protein forms G119A.
Identifiers: ClinVar variation 2515390 (VCV002515390.3), dbSNP rs751334760, ClinGen allele CA1306122.

ClinVar aggregate classification (germline): Uncertain significance. Review status: criteria provided, multiple submitters, no conflicts (2 of 4 stars). 2 submissions from 2 submitters: Uncertain significance (2). Last evaluated 2023-07-06.

Allele frequency attached by ClinVar (database versions not stated): ExAC 0.00001.
gnomAD v4.1: 7 of 1,533,196 alleles (0.00046%); highest among the groups gnomAD compares: African/African-American, 0.012%; 2 homozygotes.

Submissions (2):

Women's Health and Genetics/Laboratory Corporation of America, LabCorp
Classification: Uncertain significance. Last evaluated: 2023-07-06. Review status: criteria provided, single submitter. Criteria: LabCorp Variant Classification Summary - May 2015. Collection method: clinical testing. Allele origin: germline.
Comment: Variant summary: CFHR3 c.356G>C (p.Gly119Ala) results in a non-conservative amino acid change located in the Sushi/SCR/CCP domain (IPR000436) of the encoded protein sequence. Four of five in-silico tools predict a benign effect of the variant on protein function. The variant allele was found at a frequency of 8.4e-06 in 238708 control chromosomes (gnomAD). The available data on variant occurrences in the general population are insufficient to allow any conclusion about variant significance. To our knowledge, no occurrence of c.356G>C in individuals affected with Genetic Atypical Hemolytic Uremic Syndrome and no experimental evidence demonstrating its impact on protein function have been reported. No submitters have cited clinical-significance assessments for this variant to ClinVar after 2014. Based on the evidence outlined above, the variant was classified as uncertain significance.

Ambry Genetics
Classification: Uncertain significance. Last evaluated: 2023-03-28. Review status: criteria provided, single submitter. Criteria: Ambry Variant Classification Scheme 2023. Collection method: clinical testing. Allele origin: germline.